The following is an entry in ClinVar:

NM_001015877.2(PHF6):c.834+13T>C

Gene: PHF6 (PHD finger protein 6; plus strand). Cytogenetic location: Xq26.2.
Variant type: single nucleotide variant.
Coding change: c.834+13T>C on transcript NM_001015877.2 (MANE Select); 13 bases into the intron after coding-DNA position 834, T replaced by C.
Molecular consequence: intron variant. On other transcripts: missense variant (1).
Genome position (GRCh38, 1-based): chrX:134,415,133, T>C. VCF-style: chrX-134415133-T-C. GRCh37 (hg19) VCF-style: chrX-133549163-T-C.
Other names: c.850T>C, p.Tyr284His (NM_032335.3); c.834+13T>C (NM_032458.3); short protein forms Y284H.
Identifiers: ClinVar variation 4983387 (VCV004983387.1).

ClinVar aggregate classification (germline): Uncertain significance (1 of 4 stars; one submission).

Conditions:
PHF6-related disorder. Also called: PHF6-related condition.

gnomAD v4.1: 1 of 1,207,214 alleles (0.000083%); highest among the groups gnomAD compares: Admixed American, 0.0022%; no homozygotes.

Submission:

PreventionGenetics, part of Exact Sciences
Classification: Uncertain significance for PHF6-related condition. Last evaluated: 2024-11-25. Review status: criteria provided, single submitter. Criteria: ACMG Guidelines, 2015. Collection method: clinical testing. Allele origin: germline.
Comment: The PHF6 c.850T>C variant is predicted to result in the amino acid substitution p.Tyr284His. This variant corresponds to an intronic position in the primary transcript for this gene (NM_032458.2:c.834+13T>C). To our knowledge, this variant has not been reported in the literature. This variant is reported in 0.0037% of alleles in individuals of Latino descent in gnomAD. At this time, the clinical significance of this variant is uncertain due to the absence of conclusive functional and genetic evidence.